The following is an entry in ClinVar:

ClinVar aggregate classification (germline): Uncertain significance (1 of 4 stars; one submission).

Submission:

Labcorp Genetics (formerly Invitae), Labcorp
Classification: Uncertain significance. Last evaluated: 2022-11-01. Review status: criteria provided, single submitter. Criteria: Invitae Variant Classification Sherloc (09022015). Collection method: clinical testing. Allele origin: germline.
Comment: This sequence change replaces isoleucine, which is neutral and non-polar, with serine, which is neutral and polar, at codon 68 of the CAPN5 protein (p.Ile68Ser). This variant is not present in population databases (gnomAD no frequency). This variant has not been reported in the literature in individuals affected with CAPN5-related conditions. ClinVar contains an entry for this variant (Variation ID: 1059694). Advanced modeling of protein sequence and biophysical properties (such as structural, functional, and spatial information, amino acid conservation, physicochemical variation, residue mobility, and thermodynamic stability) performed at Invitae indicates that this missense variant is not expected to disrupt CAPN5 protein function. In summary, the available evidence is currently insufficient to determine the role of this variant in disease. Therefore, it has been classified as a Variant of Uncertain Significance.

NM_004055.5(CAPN5):c.203T>G (p.Ile68Ser)

Gene: CAPN5 (calpain 5; plus strand). Cytogenetic location: 11q13.5.
Variant type: single nucleotide variant.
Coding change: c.203T>G on transcript NM_004055.5 (MANE Select); coding-DNA position 203, T replaced by G.
Protein change: p.Ile68Ser; replaces isoleucine 68 with serine.
Molecular consequence: missense variant.
Genome position (GRCh38, 1-based): chr11:77,093,719, T>G. VCF-style: chr11-77093719-T-G. GRCh37 (hg19) VCF-style: chr11-76804765-T-G.
Other names: short protein forms I68S.
Identifiers: ClinVar variation 1059694 (VCV001059694.9), dbSNP rs2135436081, ClinGen allele CA381931075.